The following is an entry in ClinVar:

ClinVar aggregate classification (germline): Likely benign. Review status: criteria provided, multiple submitters, no conflicts (2 of 4 stars). 3 submissions from 3 submitters: Likely benign (2). 1 of the submissions does not count toward it. Last evaluated 2025-11-15.

Conditions:
TELO2-related disorder. Also called: TELO2-related condition.

Allele frequency attached by ClinVar (database versions not stated): ExAC 0.00004; TOPMed 0.00025; ESP Exome Variant Server 0.00031; gnomAD 0.00031.
gnomAD v4.1: 85 of 1,610,190 alleles (0.0053%); highest among the groups gnomAD compares: African/African-American, 0.1%; no homozygotes.

Submissions (3):

Labcorp Genetics (formerly Invitae), Labcorp
Classification: Likely benign. Last evaluated: 2025-11-15. Review status: criteria provided, single submitter. Criteria: Invitae Variant Classification Sherloc (09022015). Collection method: clinical testing. Allele origin: germline.

Blueprint Genetics
Classification: Likely benign. Last evaluated: 2019-11-30. Review status: criteria provided, single submitter. Criteria: ACMG Guidelines, 2015. Collection method: clinical testing. Allele origin: germline.

PreventionGenetics, part of Exact Sciences
Classification: Likely benign for TELO2-related condition. Last evaluated: 2019-03-21. Review status: no assertion criteria provided. Collection method: clinical testing. Allele origin: germline. Not counted in ClinVar's aggregate classification.
Comment: This variant is classified as likely benign based on ACMG/AMP sequence variant interpretation guidelines (Richards et al. 2015 PMID: 25741868, with internal and published modifications).

NM_016111.4(TELO2):c.465G>T (p.Thr155=)

Gene: TELO2 (telomere maintenance 2; plus strand). Cytogenetic location: 16p13.3.
Variant type: single nucleotide variant.
Coding change: c.465G>T on transcript NM_016111.4 (MANE Select); coding-DNA position 465, G replaced by T.
Protein change: p.Thr155=; no amino-acid change (threonine 155 retained).
Molecular consequence: synonymous variant.
Genome position (GRCh38, 1-based): chr16:1,495,475, G>T. VCF-style: chr16-1495475-G-T. GRCh37 (hg19) VCF-style: chr16-1545476-G-T.
Other names: c.465G>T, p.Thr155= (NM_001351846.2).
Identifiers: ClinVar variation 3046383 (VCV003046383.5), dbSNP rs373151028, ClinGen allele CA7811656.